The following is an entry in ClinVar:

ClinVar aggregate classification (germline): Uncertain significance. Review status: criteria provided, multiple submitters, no conflicts (2 of 4 stars). 2 submissions from 2 submitters: Uncertain significance (2). Last evaluated 2025-07-29.

Conditions:
Immunodeficiency 62. Identifiers: Orphanet 696942, MedGen C5193109, MONDO:0032763, OMIM 618459.

Allele frequency attached by ClinVar (database versions not stated): TOPMed 0.00002; ExAC 0.00009; gnomAD exomes 0.00007 and 0.00004; gnomAD 0.00001 and 0.00002.
gnomAD v4.1: 62 of 1,607,092 alleles (0.0039%); highest among the groups gnomAD compares: South Asian, 0.056%; 1 homozygote.

Submissions (2):

Labcorp Genetics (formerly Invitae), Labcorp
Classification: Uncertain significance. Last evaluated: 2025-07-29. Review status: criteria provided, single submitter. Criteria: Invitae Variant Classification Sherloc (09022015). Collection method: clinical testing. Allele origin: germline.
Comment: This sequence change affects the initiator codon of the ARHGEF1 mRNA. This change may impact translation initiation or efficiency. The next in-frame methionine is located at codon 16. This variant is present in population databases (rs201978240, gnomAD 0.04%). This variant has not been reported in the literature in individuals affected with ARHGEF1-related conditions. ClinVar contains an entry for this variant (Variation ID: 1451068). Experimental studies and prediction algorithms are not available or were not evaluated, and the functional significance of this variant is currently unknown. In summary, the available evidence is currently insufficient to determine the role of this variant in disease. Therefore, it has been classified as a Variant of Uncertain Significance.

Revvity Omics, Revvity
Classification: Uncertain significance for Immunodeficiency 62. Last evaluated: 2025-05-29. Review status: criteria provided, single submitter. Criteria: ACMG Guidelines, 2015. Collection method: clinical testing. Allele origin: germline.

NM_004706.4(ARHGEF1):c.-20+1180T>A

Gene: ARHGEF1 (Rho guanine nucleotide exchange factor 1; plus strand). Cytogenetic location: 19q13.2.
Variant type: single nucleotide variant.
Coding change: c.-20+1180T>A on transcript NM_004706.4 (MANE Select); 1180 bases into the intron after 20 bases upstream of the start codon, T replaced by A.
Molecular consequence: intron variant. On other transcripts: missense variant (1), initiator codon variant (1).
Genome position (GRCh38, 1-based): chr19:41,884,469, T>A. VCF-style: chr19-41884469-T-A. GRCh37 (hg19) VCF-style: chr19-42388536-T-A.
Other names: c.2T>A, p.Met1Lys (NM_199002.2); c.-20+1180T>A (NM_198977.2); short protein forms M1K.
Identifiers: ClinVar variation 1451068 (VCV001451068.7), dbSNP rs201978240, ClinGen allele CA9465714.
Genomic context (GRCh38, chr19:41,884,469, plus strand): 5'-CGGCAGGGGTGGGGAGAGTGCGGAGCCCGAGCGCGGAGGCTTCGGTTCCGGTGGCGGCGA[T>A]GGCTTCTCTTTCCACCTGGAGCAGGTGAGGGACGCGGTCCCCAGCGGGTGTCAGACCCTG-3'